The following is an entry in ClinVar:

NM_020166.5(MCCC1):c.2115del (p.Asn706fs)

Gene: MCCC1 (methylcrotonyl-CoA carboxylase subunit 1; minus strand). Cytogenetic location: 3q27.1.
Variant type: Deletion.
Coding change: c.2115del on transcript NM_020166.5 (MANE Select); coding-DNA position 2115, one base deleted (C; older notation c.2115delC).
Protein change: p.Asn706fs; shifts the reading frame from asparagine 706.
Molecular consequence: frameshift variant. On other transcripts: non-coding transcript variant (2).
Genome position (GRCh38, 1-based): chr3:183,015,501, G deleted on the plus strand (C on the coding strand, the reverse complement: MCCC1 is on the minus strand); the first of 2 consecutive G bases (chr3:183,015,501-183,015,502); deleting either gives the same sequence. VCF-style (leftmost placement, unchanged base first): chr3-183015500-TG-T. GRCh37 (hg19) VCF-style: chr3-182733288-TG-T.
Other names: c.1764del, p.Asn589fs (NM_001293273.2); c.1788del, p.Asn597fs (NM_001363880.1); short protein forms N706fs, N589fs, N597fs.
Identifiers: ClinVar variation 1355203 (VCV001355203.8), dbSNP rs2108428693, ClinGen allele CA2573136798.

ClinVar aggregate classification (germline): Uncertain significance (1 of 4 stars; one submission).

Conditions:
3-methylcrotonyl-CoA carboxylase 1 deficiency (MCC1D). Also called: MCCD TYPE 1; METHYLCROTONYLGLYCINURIA TYPE I; MCC 1 deficiency; 3 Alpha methylcrotonylglycinuria 1. Identifiers: Orphanet 6, MedGen CN028786, MONDO:0008861, OMIM 210200.

Submission:

Labcorp Genetics (formerly Invitae), Labcorp
Classification: Uncertain significance for 3-methylcrotonyl-CoA carboxylase 1 deficiency. Last evaluated: 2025-09-23. Review status: criteria provided, single submitter. Criteria: Invitae Variant Classification Sherloc (09022015). Collection method: clinical testing. Allele origin: germline.
Comment: This sequence change creates a premature translational stop signal (p.Asn706Thrfs*6) in the MCCC1 gene. While this is not anticipated to result in nonsense mediated decay, it is expected to disrupt the last 20 amino acid(s) of the MCCC1 protein. This variant is not present in population databases (gnomAD no frequency). This variant has not been reported in the literature in individuals affected with MCCC1-related conditions. ClinVar contains an entry for this variant (Variation ID: 1355203). This variant disrupts the C-terminus of the MCCC1 protein. Other variant(s) that disrupt this region (p.His708Glnfs*8) have been observed in individuals with MCCC1-related conditions (PMID: 22642865). This suggests that this may be a clinically significant region of the protein. In summary, the available evidence is currently insufficient to determine the role of this variant in disease. Therefore, it has been classified as a Variant of Uncertain Significance.

Literature cited by the submitters: PubMed 22642865.